The following is an entry in ClinVar:

NM_001367721.1(CASK):c.2662C>T (p.His888Tyr)

Genes: CASK (calcium/calmodulin dependent serine protein kinase; minus strand), CASK-AS1 (CASK antisense RNA 1; plus strand). Cytogenetic location: Xp11.4.
Variant type: single nucleotide variant.
Coding change: c.2662C>T on transcript NM_001367721.1 (MANE Select); coding-DNA position 2662, C replaced by T.
Protein change: p.His888Tyr; replaces histidine 888 with tyrosine.
Molecular consequence: missense variant.
Genome position (GRCh38, 1-based): chrX:41,520,539, G>A on the plus strand (C>T on the coding strand, the complement: CASK is on the minus strand). VCF-style: chrX-41520539-G-A. GRCh37 (hg19) VCF-style: chrX-41379792-G-A.
Other names: c.2578C>T, p.His860Tyr (NM_001126054.3); c.2575C>T, p.His859Tyr (NM_001126055.3); c.2644C>T, p.His882Tyr (NM_001410745.1); c.2647C>T, p.His883Tyr (NM_003688.4); short protein forms H859Y, H860Y, H883Y, H888Y, H882Y.
Identifiers: ClinVar variation 1303456 (VCV001303456.2), dbSNP rs2147059682, ClinGen allele CA412988907.

ClinVar aggregate classification (germline): Uncertain significance (1 of 4 stars; one submission).

Allele frequency attached by ClinVar (database versions not stated): gnomAD exomes below 0.00001.
gnomAD v4.1: 1 of 1,204,572 alleles (0.000083%); highest among the groups gnomAD compares: Non-Finnish European, 0.00011%; no homozygotes.

Submission:

GeneDx
Classification: Uncertain significance. Last evaluated: 2019-11-01. Review status: criteria provided, single submitter. Criteria: GeneDx Variant Classification Process June 2021. Collection method: clinical testing. Allele origin: germline. Affected: yes.
Comment: Not observed in large population cohorts (Lek et al., 2016); In silico analysis, which includes protein predictors and evolutionary conservation, supports a deleterious effect; Has not been previously published as pathogenic or benign to our knowledge